The following is an entry in ClinVar:

NM_001267550.2(TTN):c.52243G>A (p.Asp17415Asn)

Genes: TTN (titin; minus strand), TTN-AS1 (TTN antisense RNA 1; plus strand). Cytogenetic location: 2q31.2.
Variant type: single nucleotide variant.
Coding change: c.52243G>A on transcript NM_001267550.2 (MANE Select); coding-DNA position 52243, G replaced by A.
Protein change: p.Asp17415Asn; replaces aspartic acid 17415 with asparagine.
Molecular consequence: missense variant.
Genome position (GRCh38, 1-based): chr2:178,608,768, C>T on the plus strand (G>A on the coding strand, the complement: TTN is on the minus strand). VCF-style: chr2-178608768-C-T. GRCh37 (hg19) VCF-style: chr2-179473495-C-T.
Other names: c.47320G>A, p.Asp15774Asn (NM_001256850.1); c.25048G>A, p.Asp8350Asn (NM_003319.4); c.25423G>A, p.Asp8475Asn (NM_133432.3); c.25624G>A, p.Asp8542Asn (NM_133437.4); c.44539G>A, p.Asp14847Asn (NM_133378.4); short protein forms D17415N, D14847N, D8350N, D15774N, D8475N, D8542N.
Identifiers: ClinVar variation 47062 (VCV000047062.13), dbSNP rs397517609, ClinGen allele CA139896.
Genomic context (GRCh38, chr2:178,608,768, plus strand): 5'-GTTTTGTTACTGAATATTTGCAATGTCTAAGTGTTGAAGTGACAACAATCCATTCTGAGT[C>T]GGGTTTTGTCTTGTCTTTCTTTTCCAAAGTGTAGTTTATGATTTCACTGCCACCATCATC-3'
Protein context (NP_001254479.2, residues 17405-17425): TLEKKDKTKP[Asp17415Asn]SEWIVVTSTL

ClinVar aggregate classification (germline): Conflicting classifications of pathogenicity. Review status: criteria provided, conflicting classifications (1 of 4 stars). 4 submissions from 4 submitters: Uncertain significance (3); Likely benign (1). Last evaluated 2021-10-14.

Conditions:
Dilated cardiomyopathy 1G (CMD1G). Identifiers: Orphanet 154, MedGen C1858763, MONDO:0011400, OMIM 604145.
Autosomal recessive limb-girdle muscular dystrophy type 2J (LGMDR10). Also called: Limb-girdle muscular dystrophy, type 2J; MUSCULAR DYSTROPHY, LIMB-GIRDLE, AUTOSOMAL RECESSIVE 10. Identifiers: Orphanet 140922, MedGen C1837342, MONDO:0012127, OMIM 608807.

Allele frequency attached by ClinVar (database versions not stated): gnomAD 0.00001; TOPMed 0.00001; gnomAD exomes 0.00005; ExAC 0.00008.
gnomAD v4.1: 21 of 1,612,402 alleles (0.0013%); highest among the groups gnomAD compares: South Asian, 0.0044%; no homozygotes.

Submissions (4):

Revvity Omics, Revvity
Classification: Uncertain significance. Last evaluated: 2021-10-14. Review status: criteria provided, single submitter. Criteria: ACMG Guidelines, 2015. Collection method: clinical testing. Allele origin: germline.

GeneDx
Classification: Likely benign. Last evaluated: 2020-01-23. Review status: criteria provided, single submitter. Criteria: GeneDx Variant Classification Process June 2021. Collection method: clinical testing. Allele origin: germline. Affected: yes.

Labcorp Genetics (formerly Invitae), Labcorp
Classification: Uncertain significance for Dilated cardiomyopathy 1G; Autosomal recessive limb-girdle muscular dystrophy type 2J. Last evaluated: 2018-01-07. Review status: criteria provided, single submitter. Criteria: Invitae Variant Classification Sherloc (09022015). Collection method: clinical testing. Allele origin: germline.

Laboratory for Molecular Medicine, Mass General Brigham Personalized Medicine
Classification: Uncertain significance. Last evaluated: 2013-04-05. Review status: criteria provided, single submitter. Criteria: LMM Criteria. Collection method: clinical testing. Allele origin: germline. Observed: 2 variant alleles.
Comment: Computationa l analyses (biochemical amino acid properties, conservation, AlignGVGD, PolyPhen 2, and SIFT) do not provide strong support for or against an impact to the prote in. At this time, additional information is needed to fully assess the clinical significance of the Asp14847Asn variant.